The following is an entry in ClinVar:

NM_000709.4(BCKDHA):c.277G>A (p.Glu93Lys)

Gene: BCKDHA (branched chain keto acid dehydrogenase E1 subunit alpha; plus strand). Cytogenetic location: 19q13.2.
Variant type: single nucleotide variant.
Coding change: c.277G>A on transcript NM_000709.4 (MANE Select); coding-DNA position 277, G replaced by A.
Protein change: p.Glu93Lys; replaces glutamic acid 93 with lysine.
Molecular consequence: missense variant.
Genome position (GRCh38, 1-based): chr19:41,410,805, G>A. VCF-style: chr19-41410805-G-A. GRCh37 (hg19) VCF-style: chr19-41916710-G-A.
Other names: c.277G>A, p.Glu93Lys (NM_001164783.2); short protein forms E93K.
Identifiers: ClinVar variation 1434038 (VCV001434038.4), dbSNP rs753452195, ClinGen allele CA9461040.

ClinVar aggregate classification (germline): Uncertain significance. Review status: criteria provided, multiple submitters, no conflicts (2 of 4 stars). 2 submissions from 2 submitters: Uncertain significance (2). Last evaluated 2021-11-05.

Conditions:
Maple syrup urine disease (MSUD). Identifiers: Orphanet 511, MedGen C0024776, MeSH D008375, MONDO:0009563. Disease mechanism: loss of function.

Allele frequency attached by ClinVar (database versions not stated): gnomAD 0.00001; gnomAD exomes 0.00001; TOPMed 0.00001; ExAC 0.00002.
gnomAD v4.1: 14 of 1,613,926 alleles (0.00087%); highest among the groups gnomAD compares: Admixed American, 0.0033%; no homozygotes.

Submissions (2):

Fulgent Genetics
Classification: Uncertain significance for Maple syrup urine disease type 1A. Last evaluated: 2021-11-05. Review status: criteria provided, single submitter. Criteria: ACMG Guidelines, 2015. Collection method: clinical testing. Allele origin: unknown.

Labcorp Genetics (formerly Invitae), Labcorp
Classification: Uncertain significance for Maple syrup urine disease. Last evaluated: 2021-11-01. Review status: criteria provided, single submitter. Criteria: Invitae Variant Classification Sherloc (09022015). Collection method: clinical testing. Allele origin: germline.
Comment: This sequence change replaces glutamic acid, which is acidic and polar, with lysine, which is basic and polar, at codon 93 of the BCKDHA protein (p.Glu93Lys). This variant is present in population databases (rs753452195, gnomAD 0.006%). This variant has not been reported in the literature in individuals affected with BCKDHA-related conditions. Advanced modeling of protein sequence and biophysical properties (such as structural, functional, and spatial information, amino acid conservation, physicochemical variation, residue mobility, and thermodynamic stability) performed at Invitae indicates that this missense variant is not expected to disrupt BCKDHA protein function. In summary, the available evidence is currently insufficient to determine the role of this variant in disease. Therefore, it has been classified as a Variant of Uncertain Significance.